The following is an entry in ClinVar:

NM_014989.7(RIMS1):c.3607G>C (p.Asp1203His)

Gene: RIMS1 (regulating synaptic membrane exocytosis 1; plus strand). Cytogenetic location: 6q13.
Variant type: single nucleotide variant.
Coding change: c.3607G>C on transcript NM_014989.7 (MANE Select); coding-DNA position 3607, G replaced by C.
Protein change: p.Asp1203His; replaces aspartic acid 1203 with histidine.
Molecular consequence: missense variant. On other transcripts: intron variant (56).
Genome position (GRCh38, 1-based): chr6:72,290,731, G>C. VCF-style: chr6-72290731-G-C. GRCh37 (hg19) VCF-style: chr6-73000434-G-C.
Other names: c.1681G>C, p.Asp561His (NM_001350420.2); c.1663G>C, p.Asp555His (NM_001350431.2); c.1750G>C, p.Asp584His (NM_001350438.2, NM_001350456.2); c.1753G>C, p.Asp585His (NM_001350442.2, NM_001350446.2); c.1612G>C, p.Asp538His (NM_001350462.2); c.1632-1203G>C (NM_001350428.2); c.1560-1203G>C (NM_001350459.2, NM_001350424.2); c.1641-1203G>C (NM_001350437.2); and 31 more; short protein forms D1203H, D538H, D555H, D561H, D584H, D585H.
Identifiers: ClinVar variation 1967776 (VCV001967776.5), dbSNP rs935402982, ClinGen allele CA140897232.

ClinVar aggregate classification (germline): Uncertain significance (1 of 4 stars; one submission).

Allele frequency attached by ClinVar (database versions not stated): gnomAD exomes below 0.00001; TOPMed 0.00001.
gnomAD v4.1: 3 of 1,613,810 alleles (0.00019%); highest among the groups gnomAD compares: Admixed American, 0.0033%; no homozygotes.

Submission:

Labcorp Genetics (formerly Invitae), Labcorp
Classification: Uncertain significance. Last evaluated: 2022-10-13. Review status: criteria provided, single submitter. Criteria: Invitae Variant Classification Sherloc (09022015). Collection method: clinical testing. Allele origin: germline.
Comment: In summary, the available evidence is currently insufficient to determine the role of this variant in disease. Therefore, it has been classified as a Variant of Uncertain Significance. Algorithms developed to predict the effect of missense changes on protein structure and function are either unavailable or do not agree on the potential impact of this missense change (SIFT: "Deleterious"; PolyPhen-2: "Possibly Damaging"; Align-GVGD: "Class C0"). This variant has not been reported in the literature in individuals affected with RIMS1-related conditions. This variant is not present in population databases (gnomAD no frequency). This sequence change replaces aspartic acid, which is acidic and polar, with histidine, which is basic and polar, at codon 1203 of the RIMS1 protein (p.Asp1203His).